The following is an entry in ClinVar:

ClinVar aggregate classification (germline): Uncertain significance (1 of 4 stars; one submission).

Conditions:
Kabuki syndrome. Also called: Kabuki make-up syndrome; NIIKAWA-KUROKI SYNDROME. Identifiers: Orphanet 2322, MedGen C0796004, MONDO:0016512.

gnomAD v4.1: 1 of 1,613,376 alleles (0.000062%); highest among the groups gnomAD compares: East Asian, 0.0022%; no homozygotes.

Submission:

Labcorp Genetics (formerly Invitae), Labcorp
Classification: Uncertain significance for Kabuki syndrome. Last evaluated: 2022-03-15. Review status: criteria provided, single submitter. Criteria: Invitae Variant Classification Sherloc (09022015). Collection method: clinical testing. Allele origin: germline.
Comment: This sequence change replaces serine, which is neutral and polar, with phenylalanine, which is neutral and non-polar, at codon 1116 of the KMT2D protein (p.Ser1116Phe). This variant is not present in population databases (gnomAD no frequency). This variant has not been reported in the literature in individuals affected with KMT2D-related conditions. In summary, the available evidence is currently insufficient to determine the role of this variant in disease. Therefore, it has been classified as a Variant of Uncertain Significance. Advanced modeling of protein sequence and biophysical properties (such as structural, functional, and spatial information, amino acid conservation, physicochemical variation, residue mobility, and thermodynamic stability) performed at Invitae indicates that this missense variant is not expected to disrupt KMT2D protein function.

NM_003482.4(KMT2D):c.3347C>T (p.Ser1116Phe)

Gene: KMT2D (lysine methyltransferase 2D; minus strand). Cytogenetic location: 12q13.12.
Variant type: single nucleotide variant.
Coding change: c.3347C>T on transcript NM_003482.4 (MANE Select); coding-DNA position 3347, C replaced by T.
Protein change: p.Ser1116Phe; replaces serine 1116 with phenylalanine.
Molecular consequence: missense variant.
Genome position (GRCh38, 1-based): chr12:49,050,241, G>A on the plus strand (C>T on the coding strand, the complement: KMT2D is on the minus strand). VCF-style: chr12-49050241-G-A. GRCh37 (hg19) VCF-style: chr12-49444024-G-A.
Other names: short protein forms S1116F.
Identifiers: ClinVar variation 2112466 (VCV002112466.4), dbSNP rs1428276369, ClinGen allele CA384657261.
Genomic context (GRCh38, chr12:49,050,241, plus strand): 5'-TCTGGCTGTGAACCCGGAGCATCAATCCCATCCAGAGGGGCTGTGTCTTCCCCTAGGCCA[G>A]AGAAGTCATCCAGGGCTGGGGCAGGGCTGGGGGCGGGGCAGGAAAGGTCCCCCATTGGGG-3'
Protein context (NP_003473.3, residues 1106-1126): PSPAPALDDF[Ser1116Phe]GLGEDTAPLD